The following is an entry in ClinVar:

NM_000089.4(COL1A2):c.2333G>A (p.Gly778Asp)

Gene: COL1A2 (collagen type I alpha 2 chain; plus strand). Cytogenetic location: 7q21.3.
Variant type: single nucleotide variant.
Coding change: c.2333G>A on transcript NM_000089.4 (MANE Select); coding-DNA position 2333, G replaced by A.
Protein change: p.Gly778Asp; replaces glycine 778 with aspartic acid.
Molecular consequence: missense variant.
Genome position (GRCh38, 1-based): chr7:94,421,046, G>A. VCF-style: chr7-94421046-G-A. GRCh37 (hg19) VCF-style: chr7-94050358-G-A.
Other names: short protein forms G778D.
Identifiers: ClinVar variation 4084969 (VCV004084969.8).

ClinVar aggregate classification (germline): Pathogenic (1 of 4 stars; one submission).

Submission:

CeGaT Center for Human Genetics Tuebingen
Classification: Pathogenic. Last evaluated: 2025-07-01. Review status: criteria provided, single submitter. Criteria: CeGaT Center For Human Genetics Tuebingen Variant Classification Criteria Version 2. Collection method: clinical testing. Allele origin: germline. Affected: yes. Observed: 1 variant allele.
Comment: COL1A2: PM1:Strong, PS2, PM2, PM5, PS4:Moderate, PP3